The following is an entry in ClinVar:

ClinVar aggregate classification (germline): Likely pathogenic. Review status: criteria provided, single submitter (1 of 4 stars). 3 submissions from 3 submitters: Likely pathogenic (1). 2 of the submissions do not count toward it. Last evaluated 2023-12-26.

gnomAD v4.1: 2 of 1,614,208 alleles (0.00012%); highest among the groups gnomAD compares: Non-Finnish European, 0.00017%; no homozygotes.

Submissions (3):

Labcorp Genetics (formerly Invitae), Labcorp
Classification: Likely pathogenic. Last evaluated: 2023-12-26. Review status: criteria provided, single submitter. Criteria: Invitae Variant Classification Sherloc (09022015). Collection method: clinical testing. Allele origin: germline.
Comment: This sequence change affects a donor splice site in intron 105 of the COL7A1 gene. It is expected to disrupt splicing. Variants that disrupt the donor or acceptor splice site typically lead to a loss of protein function (PMID: 16199547), and loss-of-function variants in COL7A1 are known to be disease-causing for autosomal recessive dystrophic epidermolysis bullosa (PMID: 16971478). However, certain variants affecting donor or acceptor splice sites in the triple helical domain of COL7A1 are expected to result in in-frame exon skipping and have been reported to cause autosomal dominant dystrophic epidermolysis bullosa (PMID: 31670143). This variant is not present in population databases (gnomAD no frequency). This variant has not been reported in the literature in individuals affected with COL7A1-related conditions. ClinVar contains an entry for this variant (Variation ID: 1175000). Algorithms developed to predict the effect of sequence changes on RNA splicing suggest that this variant may disrupt the consensus splice site. In summary, the currently available evidence indicates that the variant is pathogenic, but additional data are needed to prove that conclusively. Therefore, this variant has been classified as Likely Pathogenic.

Diagnostic Laboratory, Department of Genetics, University Medical Center Groningen
Classification: Pathogenic. Review status: no assertion criteria provided. Collection method: clinical testing. Allele origin: germline. Affected: yes. Study: VKGL Data-share Consensus. Not counted in ClinVar's aggregate classification.

Joint Genome Diagnostic Labs from Nijmegen and Maastricht, Radboudumc and MUMC+
Classification: Pathogenic. Review status: no assertion criteria provided. Collection method: clinical testing. Allele origin: germline. Affected: yes. Study: VKGL Data-share Consensus. Not counted in ClinVar's aggregate classification.

Literature cited by the submitters: PubMed 16199547 (cited by Labcorp Genetics (formerly Invitae), Labcorp); PubMed 16971478 (cited by Labcorp Genetics (formerly Invitae), Labcorp); PubMed 31670143 (cited by Labcorp Genetics (formerly Invitae), Labcorp).

NM_000094.4(COL7A1):c.7875+1G>C

Gene: COL7A1 (collagen type VII alpha 1 chain; minus strand). Cytogenetic location: 3p21.31.
Variant type: single nucleotide variant.
Coding change: c.7875+1G>C on transcript NM_000094.4 (MANE Select); the canonical splice donor site of the intron after coding-DNA position 7875, G replaced by C.
Molecular consequence: splice donor variant.
Genome position (GRCh38, 1-based): chr3:48,568,089, C>G on the plus strand (G>C on the coding strand, the complement: COL7A1 is on the minus strand). VCF-style: chr3-48568089-C-G. GRCh37 (hg19) VCF-style: chr3-48605522-C-G.
Identifiers: ClinVar variation 1175000 (VCV001175000.8), dbSNP rs2107637140, ClinGen allele CA352641754.